The following is an entry in ClinVar:

ClinVar aggregate classification (germline): Uncertain significance (1 of 4 stars; one submission).

Submission:

Ambry Genetics
Classification: Uncertain significance. Last evaluated: 2024-07-09. Review status: criteria provided, single submitter. Criteria: Ambry Variant Classification Scheme 2023. Collection method: clinical testing. Allele origin: germline.
Comment: The p.K1658E variant (also known as c.4972A>G), located in coding exon 44 of the KIF1B gene, results from an A to G substitution at nucleotide position 4972. The lysine at codon 1658 is replaced by glutamic acid, an amino acid with similar properties. This amino acid position is conserved. In addition, the in silico prediction for this alteration is inconclusive. Based on the available evidence, the clinical significance of this variant remains unclear.

NM_001365951.3(KIF1B):c.5110A>G (p.Lys1704Glu)

Gene: KIF1B (kinesin family member 1B; plus strand). Cytogenetic location: 1p36.22.
Variant type: single nucleotide variant.
Coding change: c.5110A>G on transcript NM_001365951.3 (MANE Select); coding-DNA position 5110, A replaced by G.
Protein change: p.Lys1704Glu; replaces lysine 1704 with glutamic acid.
Molecular consequence: missense variant.
Genome position (GRCh38, 1-based): chr1:10,374,867, A>G. VCF-style: chr1-10374867-A-G. GRCh37 (hg19) VCF-style: chr1-10434925-A-G.
Other names: c.5110A>G, p.Lys1704Glu (NM_001365952.1); c.4972A>G, p.Lys1658Glu (NM_015074.3); short protein forms K1658E, K1704E.
Identifiers: ClinVar variation 3533930 (VCV003533930.1).